The following is an entry in ClinVar:

NM_020937.4(FANCM):c.1442TCT[1] (p.Phe482del)

Gene: FANCM (FA complementation group M; plus strand). Cytogenetic location: 14q21.2.
Variant type: Microsatellite.
Coding change: c.1442TCT[1] on transcript NM_020937.4 (MANE Select); one copy of the 3-base unit TCT starting at c.1442; the reference has two copies in a row; one copy, 3 bases deleted.
Protein change: p.Phe482del; deletes phenylalanine 482.
Molecular consequence: inframe deletion.
Genome position (GRCh38, 1-based): chr14:45,159,144-45,159,146, TCT deleted; deleting any 3 consecutive bases within chr14:45,159,141-45,159,146 gives the same sequence; the position shown is the placement nearest the transcript's 3' end. VCF-style (leftmost placement, unchanged base first): chr14-45159140-ATCT-A. GRCh37 (hg19) VCF-style: chr14-45628343-ATCT-A.
Other names: c.1364TCT[1], p.Phe456del (NM_001308133.2); c.1442TCT[1], p.Phe482del (NM_001308134.2); short protein forms F482del, F456del.
Identifiers: ClinVar variation 1450511 (VCV001450511.6), dbSNP rs1163631547, ClinGen allele CA614273524.

ClinVar aggregate classification (germline): Uncertain significance (1 of 4 stars; one submission).

Conditions:
Fanconi anemia (FA). Also called: Fanconi's anemia. Identifiers: Orphanet 84, MedGen C0015625, MeSH D005199, MONDO:0019391.

Submission:

Labcorp Genetics (formerly Invitae), Labcorp
Classification: Uncertain significance for Fanconi anemia. Last evaluated: 2023-09-12. Review status: criteria provided, single submitter. Criteria: Invitae Variant Classification Sherloc (09022015). Collection method: clinical testing. Allele origin: germline.
Comment: Algorithms developed to predict the effect of sequence changes on RNA splicing suggest that this variant may disrupt the consensus splice site. In summary, the available evidence is currently insufficient to determine the role of this variant in disease. Therefore, it has been classified as a Variant of Uncertain Significance. Experimental studies and prediction algorithms are not available or were not evaluated, and the functional significance of this variant is currently unknown. This variant has not been reported in the literature in individuals affected with FANCM-related conditions. This variant is present in population databases (no rsID available, gnomAD 0.007%). This variant, c.1445_1447del, results in the deletion of 1 amino acid(s) of the FANCM protein (p.Phe482del), but otherwise preserves the integrity of the reading frame.